The following is an entry in ClinVar:

ClinVar aggregate classification (germline): Benign. Review status: criteria provided, multiple submitters, no conflicts (2 of 4 stars). 2 submissions from 2 submitters: Benign (2). Last evaluated 2018-06-14.

Allele frequency attached by ClinVar (database versions not stated): gnomAD 0.75534; 1000 Genomes Project 0.76258; TOPMed 0.76612; 1000 Genomes Project 30x 0.76624.
gnomAD v4.1: 855,809 of 1,191,368 alleles (72%); highest among the groups gnomAD compares: African/African-American, 91%; 308,770 homozygotes.

Submissions (2):

GeneDx
Classification: Benign. Last evaluated: 2018-06-14. Review status: criteria provided, single submitter. Criteria: GeneDx Variant Classification (06012015). Collection method: clinical testing. Allele origin: germline. Affected: yes.
Comment: This variant is considered likely benign or benign based on one or more of the following criteria: it is a conservative change, it occurs at a poorly conserved position in the protein, it is predicted to be benign by multiple in silico algorithms, and/or has population frequency not consistent with disease.

Breakthrough Genomics
Classification: Benign. Review status: criteria provided, single submitter. Criteria: ACMG Guidelines, 2015. Collection method: not provided. Allele origin: germline. Inheritance: Autosomal recessive inheritance. Affected: yes.

NM_000642.3(AGL):c.664+92A>G

Gene: AGL (amylo-alpha-1, 6-glucosidase, 4-alpha-glucanotransferase; plus strand). Cytogenetic location: 1p21.2.
Variant type: single nucleotide variant.
Coding change: c.664+92A>G on transcript NM_000642.3 (MANE Select); 92 bases into the intron after coding-DNA position 664, A replaced by G.
Molecular consequence: intron variant.
Genome position (GRCh38, 1-based): chr1:99,864,681, A>G. VCF-style: chr1-99864681-A-G. GRCh37 (hg19) VCF-style: chr1-100330237-A-G.
Other names: c.664+92A>G (NM_000643.3, NM_000644.3, NM_001425326.1 and 3 more transcripts); c.616+92A>G (NM_000646.3); c.460+2258A>G (NM_001425328.1, NM_001425329.1); c.286+92A>G (NM_001425332.1).
Identifiers: ClinVar variation 676094 (VCV000676094.2), dbSNP rs538389, ClinGen allele CA15081275.